The following is an entry in ClinVar:

NM_001170700.3(DTHD1):c.1477C>A (p.Pro493Thr)

Gene: DTHD1 (death domain containing 1; plus strand). Cytogenetic location: 4p14.
Variant type: single nucleotide variant.
Coding change: c.1477C>A on transcript NM_001170700.3 (MANE Select); coding-DNA position 1477, C replaced by A.
Protein change: p.Pro493Thr; replaces proline 493 with threonine.
Molecular consequence: missense variant. On other transcripts: non-coding transcript variant (2).
Genome position (GRCh38, 1-based): chr4:36,294,873, C>A. VCF-style: chr4-36294873-C-A. GRCh37 (hg19) VCF-style: chr4-36296495-C-A.
Other names: c.607C>A, p.Pro203Thr (NM_001136536.5); c.544C>A, p.Pro182Thr (NM_001378435.1); short protein forms P203T, P493T, P182T.
Identifiers: ClinVar variation 2890928 (VCV002890928.3), dbSNP rs866698643, ClinGen allele CA95771910.

ClinVar aggregate classification (germline): Uncertain significance (1 of 4 stars; one submission).

Allele frequency attached by ClinVar (database versions not stated): gnomAD 0.00001; TOPMed 0.00001.
gnomAD v4.1: 54 of 1,551,714 alleles (0.0035%); highest among the groups gnomAD compares: Non-Finnish European, 0.0046%; no homozygotes.

Submission:

Labcorp Genetics (formerly Invitae), Labcorp
Classification: Uncertain significance. Last evaluated: 2023-12-01. Review status: criteria provided, single submitter. Criteria: Invitae Variant Classification Sherloc (09022015). Collection method: clinical testing. Allele origin: germline.
Comment: This sequence change replaces proline, which is neutral and non-polar, with threonine, which is neutral and polar, at codon 203 of the DTHD1 protein (p.Pro203Thr). This variant is present in population databases (no rsID available, gnomAD 0.002%). This variant has not been reported in the literature in individuals affected with DTHD1-related conditions. An algorithm developed to predict the effect of missense changes on protein structure and function (PolyPhen-2) suggests that this variant is likely to be disruptive. In summary, the available evidence is currently insufficient to determine the role of this variant in disease. Therefore, it has been classified as a Variant of Uncertain Significance.